The following is an entry in ClinVar:

NM_002880.4(RAF1):c.176G>A (p.Arg59His)

Gene: RAF1 (Raf-1 proto-oncogene, serine/threonine kinase; minus strand). Cytogenetic location: 3p25.2.
Variant type: single nucleotide variant.
Coding change: c.176G>A on transcript NM_002880.4 (MANE Select); coding-DNA position 176, G replaced by A.
Protein change: p.Arg59His; replaces arginine 59 with histidine.
Molecular consequence: missense variant. On other transcripts: non-coding transcript variant (3).
Genome position (GRCh38, 1-based): chr3:12,618,546, C>T on the plus strand (G>A on the coding strand, the complement: RAF1 is on the minus strand). VCF-style: chr3-12618546-C-T. GRCh37 (hg19) VCF-style: chr3-12660045-C-T.
Other names: c.176G>A, p.Arg59His (NM_001354689.3, NM_001354690.3, NM_001354693.3); c.46G>A, p.Val16Met (NM_001354691.3, NM_001354692.3, NM_001354694.3 and 1 more transcripts); short protein forms R59H, V16M.
Identifiers: ClinVar variation 620621 (VCV000620621.5), dbSNP rs1559447623, ClinGen allele CA351484917.

ClinVar aggregate classification (germline): Uncertain significance. Review status: criteria provided, multiple submitters, no conflicts (2 of 4 stars). 3 submissions from 3 submitters: Uncertain significance (3). Last evaluated 2025-11-22.

Conditions:
Noonan syndrome (NS). Also called: Noonan's syndrome. Identifiers: Orphanet 648, MedGen C0028326, MeSH D009634, MONDO:0018997. Disease mechanism: gain of function.
RASopathy. Also called: rasopathies; Noonan spectrum disorder. Identifiers: Orphanet 536391, MedGen C5555857, MONDO:0021060.

Allele frequency attached by ClinVar (database versions not stated): gnomAD exomes below 0.00001.
gnomAD v4.1: 3 of 1,614,186 alleles (0.00019%); highest among the groups gnomAD compares: Non-Finnish European, 0.00025%; no homozygotes.

Submissions (3):

Labcorp Genetics (formerly Invitae), Labcorp
Classification: Uncertain significance for RASopathy. Last evaluated: 2025-11-22. Review status: criteria provided, single submitter. Criteria: Invitae Variant Classification Sherloc (09022015). Collection method: clinical testing. Allele origin: germline.
Comment: This sequence change replaces arginine, which is basic and polar, with histidine, which is basic and polar, at codon 59 of the RAF1 protein (p.Arg59His). This variant is not present in population databases (gnomAD no frequency). This variant has not been reported in the literature in individuals affected with RAF1-related conditions. ClinVar contains an entry for this variant (Variation ID: 620621). Invitae Evidence Modeling incorporating data from in vitro experimental studies (internal data) indicates that this missense variant is not expected to disrupt RAF1 function with a negative predictive value of 95%. In summary, the available evidence is currently insufficient to determine the role of this variant in disease. Therefore, it has been classified as a Variant of Uncertain Significance.

GeneDx
Classification: Uncertain significance. Last evaluated: 2022-05-25. Review status: criteria provided, single submitter. Criteria: GeneDx Variant Classification Process June 2021. Collection method: clinical testing. Allele origin: germline. Affected: yes.
Comment: Not observed at significant frequency in large population cohorts (gnomAD); In silico analysis supports that this missense variant has a deleterious effect on protein structure/function; Missense variants in this gene are often considered pathogenic (HGMD); Has not been previously published as pathogenic or benign to our knowledge

St. Jude Molecular Pathology, St. Jude Children's Research Hospital
Classification: Uncertain significance for Noonan syndrome. Last evaluated: 2020-09-22. Review status: criteria provided, single submitter. Criteria: St. Jude Assertion Criteria 2020. Collection method: clinical testing. Allele origin: germline.